The following is an entry in ClinVar:

ClinVar aggregate classification (germline): Conflicting classifications of pathogenicity. Review status: criteria provided, conflicting classifications (1 of 4 stars). 2 submissions from 2 submitters: Uncertain significance (1); Likely benign (1). Last evaluated 2026-01-21.

Conditions:
Immunodeficiency, common variable, 1. Also called: ANTIBODY DEFICIENCY DUE TO ICOS DEFECT. Identifiers: Orphanet 1572, Orphanet 695183, MedGen C3149378, MONDO:0011864, OMIM 607594.
Immunodeficiency, common variable, 10. Also called: IMMUNODEFICIENCY, COMMON VARIABLE, WITH CENTRAL ADRENAL INSUFFICIENCY; DEFICIT IN ANTERIOR PITUITARY FUNCTION AND VARIABLE IMMUNODEFICIENCY. Identifiers: MedGen C3809991, MONDO:0014260, OMIM 615577.

Allele frequency attached by ClinVar (database versions not stated): gnomAD exomes 0.00012 and 0.00036; ExAC 0.00017; gnomAD 0.00023 and 0.00024; TOPMed 0.00032; ESP Exome Variant Server 0.00063.

Submissions (2):

Labcorp Genetics (formerly Invitae), Labcorp
Classification: Uncertain significance for Immunodeficiency, common variable, 10. Last evaluated: 2026-01-21. Review status: criteria provided, single submitter. Criteria: Invitae Variant Classification Sherloc (09022015). Collection method: clinical testing. Allele origin: germline.
Comment: This sequence change replaces arginine, which is basic and polar, with tryptophan, which is neutral and slightly polar, at codon 658 of the NFKB2 protein (p.Arg658Trp). This variant is present in population databases (rs200373995, gnomAD 0.02%). This variant has not been reported in the literature in individuals affected with NFKB2-related conditions. ClinVar contains an entry for this variant (Variation ID: 955894). An algorithm developed to predict the effect of missense changes on protein structure and function (PolyPhen-2) suggests that this variant is likely to be disruptive. In summary, the available evidence is currently insufficient to determine the role of this variant in disease. Therefore, it has been classified as a Variant of Uncertain Significance.

Blueprint Genetics
Classification: Likely benign. Last evaluated: 2024-07-24. Review status: criteria provided, single submitter. Criteria: ACMG Guidelines, 2015. Collection method: clinical testing. Allele origin: germline.

NM_001322934.2(NFKB2):c.1972C>T (p.Arg658Trp)

Gene: NFKB2 (nuclear factor kappa B subunit 2; plus strand). Cytogenetic location: 10q24.32.
Variant type: single nucleotide variant.
Coding change: c.1972C>T on transcript NM_001322934.2 (MANE Select); coding-DNA position 1972, C replaced by T.
Protein change: p.Arg658Trp; replaces arginine 658 with tryptophan.
Molecular consequence: missense variant.
Genome position (GRCh38, 1-based): chr10:102,400,950, C>T. VCF-style: chr10-102400950-C-T. GRCh37 (hg19) VCF-style: chr10-104160707-C-T.
Other names: c.1972C>T, p.Arg658Trp (NM_001077494.3, NM_001261403.3, NM_001288724.1 and 1 more transcripts); c.1846C>T, p.Arg616Trp (NM_001322935.1); short protein forms R616W, R658W.
Identifiers: ClinVar variation 955894 (VCV000955894.11), dbSNP rs200373995, ClinGen allele CA5664943.